The following is an entry in ClinVar:

ClinVar aggregate classification (germline): Benign/Likely benign. Review status: criteria provided, multiple submitters, no conflicts (2 of 4 stars). 10 submissions from 10 submitters: Benign (5); Likely benign (5). Last evaluated 2026-01-11.

Conditions:
ACTN2-related disorder. Also called: ACTN2-related disorders; ACTN2 related condition.
Cardiovascular phenotype. Identifiers: MedGen CN230736.
Primary familial hypertrophic cardiomyopathy (HCM). Identifiers: Orphanet 99739, MedGen C0949658, MeSH D024741, MONDO:0024573. Inheritance: Various modes of inheritance.
Dilated cardiomyopathy 1AA (CMD1AA). Also called: CARDIOMYOPATHY, DILATED, 1AA, WITH OR WITHOUT LEFT VENTRICULAR NONCOMPACTION; CARDIOMYOPATHY, FAMILIAL HYPERTROPHIC, 23, WITH OR WITHOUT LEFT VENTRICULAR NONCOMPACTION; Cardiomyopathy, dilated, 1AA, with or without LVNC. Identifiers: Orphanet 154, MedGen C2677338, MONDO:0012808, OMIM 612158.
Cardiomyopathy (CMYO). Also called: Cardiomyopathies. Identifiers: Orphanet 167848, MedGen C0878544, MONDO:0004994, HP:0001638. Inheritance: Various modes of inheritance.

Allele frequency attached by ClinVar (database versions not stated): TOPMed 0.00003; gnomAD 0.00004 and 0.00007; ESP Exome Variant Server 0.00015; 1000 Genomes Project 30x 0.00016; gnomAD exomes 0.00018 and 0.00033; 1000 Genomes Project 0.00020; ExAC 0.00034.
gnomAD v4.1: 270 of 1,614,214 alleles (0.017%); highest among the groups gnomAD compares: South Asian, 0.23%; 1 homozygote.

Submissions (10):

Labcorp Genetics (formerly Invitae), Labcorp
Classification: Benign for Primary familial hypertrophic cardiomyopathy; Dilated cardiomyopathy 1AA. Last evaluated: 2026-01-11. Review status: criteria provided, single submitter. Criteria: Invitae Variant Classification Sherloc (09022015). Collection method: clinical testing. Allele origin: germline.

PreventionGenetics, part of Exact Sciences
Classification: Likely benign for ACTN2-related condition. Last evaluated: 2025-12-13. Review status: criteria provided, single submitter. Criteria: ACMG Guidelines, 2015. Collection method: clinical testing. Allele origin: germline.
Comment: This variant is classified as likely benign based on ACMG/AMP sequence variant interpretation guidelines (Richards et al. 2015 PMID: 25741868, with internal and published modifications).

CeGaT Center for Human Genetics Tuebingen
Classification: Likely benign. Last evaluated: 2025-08-01. Review status: criteria provided, single submitter. Criteria: CeGaT Center For Human Genetics Tuebingen Variant Classification Criteria Version 2. Collection method: clinical testing. Allele origin: germline. Affected: yes. Observed: 1 variant allele.
Comment: ACTN2: BP4, BP7

Molecular Diagnostic Laboratory for Inherited Cardiovascular Disease, Montreal Heart Institute
Classification: Benign. Last evaluated: 2025-04-09. Review status: criteria provided, single submitter. Criteria: ACMG Guidelines, 2015. Collection method: clinical testing. Allele origin: germline. Affected: no.

Blueprint Genetics
Classification: Likely benign. Last evaluated: 2024-05-20. Review status: criteria provided, single submitter. Criteria: ACMG Guidelines, 2015. Collection method: clinical testing. Allele origin: germline.

Ambry Genetics
Classification: Benign for Cardiovascular phenotype. Last evaluated: 2021-12-21. Review status: criteria provided, single submitter. Criteria: Ambry Variant Classification Scheme 2023. Collection method: clinical testing. Allele origin: germline.

Women's Health and Genetics/Laboratory Corporation of America, LabCorp
Classification: Benign. Last evaluated: 2021-05-29. Review status: criteria provided, single submitter. Criteria: LabCorp Variant Classification Summary - May 2015. Collection method: clinical testing. Allele origin: germline.

GeneDx
Classification: Likely benign. Last evaluated: 2019-08-12. Review status: criteria provided, single submitter. Criteria: GeneDx Variant Classification Process June 2021. Collection method: clinical testing. Allele origin: germline. Affected: yes.

CHEO Genetics Diagnostic Laboratory, Children's Hospital of Eastern Ontario
Classification: Benign for Cardiomyopathy. Last evaluated: 2018-03-28. Review status: criteria provided, single submitter. Criteria: ACMG Guidelines, 2015. Collection method: clinical testing. Allele origin: germline.

Laboratory for Molecular Medicine, Mass General Brigham Personalized Medicine
Classification: Likely benign. Last evaluated: 2012-03-19. Review status: criteria provided, single submitter. Criteria: LMM Criteria. Collection method: clinical testing. Allele origin: germline. Observed: 1 variant allele.
Comment: Arg745Arg in exon 18 of ACTN2: This variant is not expected to have clinical sig nificance because it does not alter an amino acid residue, is not located within the splice consensus sequence. It has been identified in 3/7020 European Americ an chromosomes from a broad population by the NHLBI Exome Sequencing Project (dbSNP rs141884271). Arg745Arg in exon 18 of ACT N2 (rs141884271; allele frequency = 0.04%, 3/7020)

NM_001103.4(ACTN2):c.2235A>G (p.Arg745=)

Gene: ACTN2 (actinin alpha 2; plus strand). Cytogenetic location: 1q43.
Variant type: single nucleotide variant.
Coding change: c.2235A>G on transcript NM_001103.4 (MANE Select); coding-DNA position 2235, A replaced by G.
Protein change: p.Arg745=; no amino-acid change (arginine 745 retained).
Molecular consequence: synonymous variant.
Genome position (GRCh38, 1-based): chr1:236,757,566, A>G. VCF-style: chr1-236757566-A-G. GRCh37 (hg19) VCF-style: chr1-236920866-A-G.
Other names: c.2235A>G, p.Arg745= (NM_001278343.2); c.1611A>G, p.Arg537= (NM_001278344.2).
Identifiers: ClinVar variation 162741 (VCV000162741.31), dbSNP rs141884271, ClinGen allele CA175233.
Genomic context (GRCh38, chr1:236,757,566, plus strand): 5'-GCTGCTGCTGACAACCATCGCCAGAACCATCAATGAGGTGGAGACTCAGATCCTGACGAG[A>G]GATGCGAAGGGCATCACCCAGGAGCAGATGAATGAGTTCAGAGCCTCCTTCAACCACTTT-3'
Protein context (NP_001094.1, residues 735-755): INEVETQILT[Arg745=]DAKGITQEQM